The following is an entry in ClinVar:

NM_001184900.3(CARD8):c.40del (p.Glu14fs)

Gene: CARD8 (caspase recruitment domain family member 8; minus strand). Cytogenetic location: 19q13.33.
Variant type: Deletion.
Coding change: c.40del on transcript NM_001184900.3 (MANE Select); coding-DNA position 40, one base deleted (G; older notation c.40delG).
Protein change: p.Glu14fs; shifts the reading frame from glutamic acid 14.
Molecular consequence: frameshift variant. On other transcripts: 5 prime UTR variant (7), non-coding transcript variant (4).
Genome position (GRCh38, 1-based): chr19:48,240,981, C deleted on the plus strand (G on the coding strand, the reverse complement: CARD8 is on the minus strand). VCF-style (leftmost placement, unchanged base first): chr19-48240980-TC-T. GRCh37 (hg19) VCF-style: chr19-48744237-TC-T.
Other names: c.40del, p.Glu14fs (NM_001184901.1, NM_001184902.2, NM_001184903.1 and 6 more transcripts); c.-85del (NM_001351784.2, NM_001351787.2, NM_001351791.2 and 2 more transcripts); c.-299del (NM_001351786.2); c.-163del (NM_001351790.2); short protein forms E14fs.
Identifiers: ClinVar variation 3649839 (VCV003649839.2).

ClinVar aggregate classification (germline): Uncertain significance (1 of 4 stars; one submission).

Submission:

Labcorp Genetics (formerly Invitae), Labcorp
Classification: Uncertain significance. Last evaluated: 2025-11-03. Review status: criteria provided, single submitter. Criteria: Invitae Variant Classification Sherloc (09022015). Collection method: clinical testing. Allele origin: germline.
Comment: This sequence change creates a premature translational stop signal (p.Glu14Argfs*77) in the CARD8 gene. It is expected to result in an absent or disrupted protein product. However, the current clinical and genetic evidence is not sufficient to establish whether loss-of-function variants in CARD8 cause disease. This variant is not present in population databases (gnomAD no frequency). This variant has not been reported in the literature in individuals affected with CARD8-related conditions. ClinVar contains an entry for this variant (Variation ID: 3649839). In summary, the available evidence is currently insufficient to determine the role of this variant in disease. Therefore, it has been classified as a Variant of Uncertain Significance.